The following is an entry in ClinVar:

ClinVar aggregate classification (germline): Likely benign. Review status: criteria provided, multiple submitters, no conflicts (2 of 4 stars). 2 submissions from 2 submitters: Likely benign (2). Last evaluated 2024-05-23.

Allele frequency attached by ClinVar (database versions not stated): ExAC 0.00017; ESP Exome Variant Server 0.00020; TOPMed 0.00042.

Submissions (2):

Ambry Genetics
Classification: Likely benign. Last evaluated: 2024-05-23. Review status: criteria provided, single submitter. Criteria: Ambry Variant Classification Scheme 2023. Collection method: clinical testing. Allele origin: germline.

CeGaT Center for Human Genetics Tuebingen
Classification: Likely benign. Last evaluated: 2022-04-01. Review status: criteria provided, single submitter. Criteria: CeGaT Center For Human Genetics Tuebingen Variant Classification Criteria Version 2. Collection method: clinical testing. Allele origin: germline. Affected: yes. Observed: 1 variant allele.
Comment: FAM98B: BP4, BP7

NM_173611.4(TSLIG3B):c.1251T>A (p.Gly417=)

Gene: TSLIG3B (tRNA splicing ligase complex subunit 3B; plus strand). Cytogenetic location: 15q14.
Variant type: single nucleotide variant.
Coding change: c.1251T>A on transcript NM_173611.4 (MANE Select); coding-DNA position 1251, T replaced by A.
Protein change: p.Gly417=; no amino-acid change (glycine 417 retained).
Molecular consequence: synonymous variant.
Genome position (GRCh38, 1-based): chr15:38,484,608, T>A. VCF-style: chr15-38484608-T-A. GRCh37 (hg19) VCF-style: chr15-38776809-T-A.
Other names: c.1251T>A (NM_173611.2).
Identifiers: ClinVar variation 2645157 (VCV002645157.25), dbSNP rs374461368, ClinGen allele CA7470595.
Genomic context (GRCh38, chr15:38,484,608, plus strand): 5'-GGGTTATGGTGGAAGAGGGGGCTATGGTGGAAGAGGCTATGGAGATCCATATGGAGGAGG[T>A]GGTGGTGGTGGTGGTGGTGGTGGTGGAGGAGGTGGATATAGAAGATACTAAAAACTATAA-3'
Protein context (NP_775882.2, residues 407-427): GRGYGDPYGG[Gly417=]GGGGGGGGGG